The following is an entry in ClinVar:

NM_004336.5(BUB1):c.2909G>T (p.Gly970Val)

Gene: BUB1 (BUB1 mitotic checkpoint serine/threonine kinase; minus strand). Cytogenetic location: 2q13.
Variant type: single nucleotide variant.
Coding change: c.2909G>T on transcript NM_004336.5 (MANE Select); coding-DNA position 2909, G replaced by T.
Protein change: p.Gly970Val; replaces glycine 970 with valine.
Molecular consequence: missense variant.
Genome position (GRCh38, 1-based): chr2:110,641,080, C>A on the plus strand (G>T on the coding strand, the complement: BUB1 is on the minus strand). VCF-style: chr2-110641080-C-A. GRCh37 (hg19) VCF-style: chr2-111398657-C-A.
Other names: c.2849G>T, p.Gly950Val (NM_001278616.2); c.2738G>T, p.Gly913Val (NM_001278617.2); short protein forms G913V, G950V, G970V.
Identifiers: ClinVar variation 1797546 (VCV001797546.3), dbSNP rs778192976, ClinGen allele CA1827695.

ClinVar aggregate classification (germline): Uncertain significance (1 of 4 stars; one submission).

Allele frequency attached by ClinVar (database versions not stated): ExAC 0.00001; gnomAD 0.00002.
gnomAD v4.1: 9 of 1,610,054 alleles (0.00056%); highest among the groups gnomAD compares: African/African-American, 0.0094%; no homozygotes.

Submission:

Ambry Genetics
Classification: Uncertain significance. Last evaluated: 2024-09-15. Review status: criteria provided, single submitter. Criteria: Ambry Variant Classification Scheme 2023. Collection method: clinical testing. Allele origin: germline.
Comment: The p.G970V variant (also known as c.2909G>T), located in coding exon 23 of the BUB1 gene, results from a G to T substitution at nucleotide position 2909. The glycine at codon 970 is replaced by valine, an amino acid with dissimilar properties. This amino acid position is conserved. In addition, this alteration is predicted to be deleterious by in silico analysis. Since supporting evidence is limited at this time, the clinical significance of this alteration remains unclear.